The following is an entry in ClinVar:

ClinVar aggregate classification (germline): Uncertain significance (1 of 4 stars; one submission).

Conditions:
Hereditary cancer-predisposing syndrome. Also called: Neoplastic Syndromes, Hereditary; Hereditary Cancer Syndrome; Tumor predisposition; Hereditary neoplastic syndrome. Identifiers: Orphanet 140162, MedGen C0027672, MeSH D009386, MONDO:0015356.

Submission:

Ambry Genetics
Classification: Uncertain significance for Hereditary cancer-predisposing syndrome. Last evaluated: 2025-02-25. Review status: criteria provided, single submitter. Criteria: Ambry Variant Classification Scheme 2023. Collection method: clinical testing. Allele origin: germline.
Comment: The p.E37Q variant (also known as c.109G>C), located in coding exon 3 of the SDHC gene, results from a G to C substitution at nucleotide position 109. The glutamic acid at codon 37 is replaced by glutamine, an amino acid with highly similar properties. This amino acid position is conserved. In addition, this alteration is predicted to be deleterious by in silico analysis. Based on the available evidence, the clinical significance of this variant remains unclear.

NM_003001.5(SDHC):c.109G>C (p.Glu37Gln)

Gene: SDHC (succinate dehydrogenase complex subunit C; plus strand). Cytogenetic location: 1q23.3.
Variant type: single nucleotide variant.
Coding change: c.109G>C on transcript NM_003001.5 (MANE Select); coding-DNA position 109, G replaced by C.
Protein change: p.Glu37Gln; replaces glutamic acid 37 with glutamine.
Molecular consequence: missense variant. On other transcripts: 5 prime UTR variant (2), non-coding transcript variant (1), intron variant (4).
Genome position (GRCh38, 1-based): chr1:161,328,427, G>C. VCF-style: chr1-161328427-G-C. GRCh37 (hg19) VCF-style: chr1-161298217-G-C.
Other names: c.109G>C, p.Glu37Gln (NM_001035511.3, NM_001407115.1); c.52G>C, p.Glu18Gln (NM_001407116.1, NM_001407117.1, NM_001407121.1); c.-3G>C (NM_001407119.1, NM_001407120.1); c.77+4757G>C (NM_001035512.3, NM_001278172.3, NM_001407118.1); c.21-12167G>C (NM_001035513.3); short protein forms E18Q, E37Q.
Identifiers: ClinVar variation 3793592 (VCV003793592.1).